The following is an entry in ClinVar:

NM_001854.4(COL11A1):c.2040C>A (p.Asn680Lys)

Gene: COL11A1 (collagen type XI alpha 1 chain; minus strand). Cytogenetic location: 1p21.1.
Variant type: single nucleotide variant.
Coding change: c.2040C>A on transcript NM_001854.4 (MANE Select); coding-DNA position 2040, C replaced by A.
Protein change: p.Asn680Lys; replaces asparagine 680 with lysine.
Molecular consequence: missense variant. On other transcripts: non-coding transcript variant (1).
Genome position (GRCh38, 1-based): chr1:103,002,750, G>T on the plus strand (C>A on the coding strand, the complement: COL11A1 is on the minus strand). VCF-style: chr1-103002750-G-T. GRCh37 (hg19) VCF-style: chr1-103468306-G-T.
Other names: c.1692C>A, p.Asn564Lys (NM_001168249.1, NM_080630.4); c.1923C>A, p.Asn641Lys (NM_001190709.2); c.2076C>A, p.Asn692Lys (NM_080629.3); short protein forms N564K, N692K, N641K, N680K.
Identifiers: ClinVar variation 1999368 (VCV001999368.4), dbSNP rs530187653, ClinGen allele CA341171181.

ClinVar aggregate classification (germline): Uncertain significance (1 of 4 stars; one submission).

Submission:

Labcorp Genetics (formerly Invitae), Labcorp
Classification: Uncertain significance. Last evaluated: 2022-05-27. Review status: criteria provided, single submitter. Criteria: Invitae Variant Classification Sherloc (09022015). Collection method: clinical testing. Allele origin: germline.
Comment: In summary, the available evidence is currently insufficient to determine the role of this variant in disease. Therefore, it has been classified as a Variant of Uncertain Significance. Advanced modeling of protein sequence and biophysical properties (such as structural, functional, and spatial information, amino acid conservation, physicochemical variation, residue mobility, and thermodynamic stability) performed at Invitae indicates that this missense variant is not expected to disrupt COL11A1 protein function. This variant has not been reported in the literature in individuals affected with COL11A1-related conditions. This variant is not present in population databases (gnomAD no frequency). This sequence change replaces asparagine, which is neutral and polar, with lysine, which is basic and polar, at codon 680 of the COL11A1 protein (p.Asn680Lys).